The following is an entry in ClinVar:

NM_201384.3(PLEC):c.10176G>C (p.Gln3392His)

Gene: PLEC (plectin; minus strand). Cytogenetic location: 8q24.3.
Variant type: single nucleotide variant.
Coding change: c.10176G>C on transcript NM_201384.3 (MANE Select); coding-DNA position 10176, G replaced by C.
Protein change: p.Gln3392His; replaces glutamine 3392 with histidine.
Molecular consequence: missense variant.
Genome position (GRCh38, 1-based): chr8:143,919,645, C>G on the plus strand (G>C on the coding strand, the complement: PLEC is on the minus strand). VCF-style: chr8-143919645-C-G. GRCh37 (hg19) VCF-style: chr8-144993813-C-G.
Other names: c.10257G>C, p.Gln3419His (NM_000445.5); c.10134G>C, p.Gln3378His (NM_201378.4); c.10110G>C, p.Gln3370His (NM_201379.3); c.10587G>C, p.Gln3529His (NM_201380.4); c.10080G>C, p.Gln3360His (NM_201381.3); c.10176G>C, p.Gln3392His (NM_201382.4); c.10188G>C, p.Gln3396His (NM_201383.3); short protein forms Q3378H, Q3396H, Q3529H, Q3370H, Q3392H, Q3360H, Q3419H.
Identifiers: ClinVar variation 1038768 (VCV001038768.11), dbSNP rs1821851669, ClinGen allele CA372503165.

ClinVar aggregate classification (germline): Uncertain significance (1 of 4 stars; one submission).

Conditions:
Epidermolysis bullosa simplex 5C, with pyloric atresia (EBS5C). Also called: PLEC1-Related Epidermolysis Bullosa with Pyloric Atresia; Epidermolysis bullosa simplex with pyloric atresia; PLEC-Related Epidermolysis Bullosa with Pyloric Atresia. Identifiers: Orphanet 158684, MedGen C2677349, MONDO:0012807, OMIM 612138.
Epidermolysis bullosa simplex 5B, with muscular dystrophy (EBS5B). Also called: EPIDERMOLYSIS BULLOSA SIMPLEX AND LIMB-GIRDLE MUSCULAR DYSTROPHY; Epidermolysis bullosa simplex with muscular dystrophy. Identifiers: Orphanet 257, MedGen C2931072, MONDO:0009181, OMIM 226670.
Epidermolysis bullosa simplex with nail dystrophy (EBS5D). Identifiers: MedGen C4225309, MONDO:0014661, OMIM 616487.
Epidermolysis bullosa simplex, Ogna type (EBS5A). Also called: Pidermolysis bullosa simplex 5A, Ogna type; EPIDERMOLYSIS BULLOSA SIMPLEX 5A, OGNA TYPE. Identifiers: Orphanet 79401, MedGen C0432317, MONDO:0007555, OMIM 131950.
Autosomal recessive limb-girdle muscular dystrophy type 2Q (LGMDR17). Also called: MUSCULAR DYSTROPHY, LIMB-GIRDLE, AUTOSOMAL RECESSIVE 17. Identifiers: Orphanet 254361, MedGen C3150989, MONDO:0013390, OMIM 613723.

Submission:

Labcorp Genetics (formerly Invitae), Labcorp
Classification: Uncertain significance for Autosomal recessive limb-girdle muscular dystrophy type 2Q; Epidermolysis bullosa simplex, Ogna type; Epidermolysis bullosa simplex with nail dystrophy; Epidermolysis bullosa simplex 5C, with pyloric atresia; Epidermolysis bullosa simplex 5B, with muscular dystrophy. Last evaluated: 2020-06-29. Review status: criteria provided, single submitter. Criteria: Invitae Variant Classification Sherloc (09022015). Collection method: clinical testing. Allele origin: germline.
Comment: In summary, the available evidence is currently insufficient to determine the role of this variant in disease. Therefore, it has been classified as a Variant of Uncertain Significance. Algorithms developed to predict the effect of missense changes on protein structure and function are either unavailable or do not agree on the potential impact of this missense change (SIFT: "Deleterious"; PolyPhen-2: "Probably Damaging"; Align-GVGD: "Class C15"). This variant has not been reported in the literature in individuals with PLEC-related conditions. This variant is not present in population databases (ExAC no frequency). This sequence change replaces glutamine with histidine at codon 3419 of the PLEC protein (p.Gln3419His). The glutamine residue is highly conserved and there is a small physicochemical difference between glutamine and histidine.